The following is an entry in ClinVar:

ClinVar aggregate classification (germline): Uncertain significance. Review status: criteria provided, multiple submitters, no conflicts (2 of 4 stars). 2 submissions from 2 submitters: Uncertain significance (2). Last evaluated 2025-11-25.

Conditions:
Inborn genetic diseases. Identifiers: MedGen C0950123, MeSH D030342.
Atrial fibrillation, familial, 6 (ATFB6). Identifiers: MedGen C2677294, MONDO:0012816, OMIM 612201.

Allele frequency attached by ClinVar (database versions not stated): gnomAD exomes 0.00003; ExAC 0.00005; TOPMed 0.00008; gnomAD 0.00010 and 0.00011; ESP Exome Variant Server 0.00015.
gnomAD v4.1: 30 of 1,613,996 alleles (0.0019%); highest among the groups gnomAD compares: African/African-American, 0.028%; no homozygotes.

Submissions (2):

Labcorp Genetics (formerly Invitae), Labcorp
Classification: Uncertain significance for Atrial fibrillation, familial, 6. Last evaluated: 2025-11-25. Review status: criteria provided, single submitter. Criteria: Invitae Variant Classification Sherloc (09022015). Collection method: clinical testing. Allele origin: germline.
Comment: This sequence change replaces threonine, which is neutral and polar, with isoleucine, which is neutral and non-polar, at codon 8 of the NPPA protein (p.Thr8Ile). This variant is present in population databases (rs142653342, gnomAD 0.04%). This variant has not been reported in the literature in individuals affected with NPPA-related conditions. ClinVar contains an entry for this variant (Variation ID: 537320). Experimental studies and prediction algorithms are not available or were not evaluated, and the functional significance of this variant is currently unknown. In summary, the available evidence is currently insufficient to determine the role of this variant in disease. Therefore, it has been classified as a Variant of Uncertain Significance.

Ambry Genetics
Classification: Uncertain significance for Inborn genetic diseases. Last evaluated: 2024-06-07. Review status: criteria provided, single submitter. Criteria: Ambry Variant Classification Scheme 2023. Collection method: clinical testing. Allele origin: germline.

NM_006172.4(NPPA):c.23C>T (p.Thr8Ile)

Genes: NPPA (natriuretic peptide A; minus strand), LOC114827827 (VISTA enhancer hs2123; plus strand). Cytogenetic location: 1p36.22.
Variant type: single nucleotide variant.
Coding change: c.23C>T on transcript NM_006172.4 (MANE Select); coding-DNA position 23, C replaced by T.
Protein change: p.Thr8Ile; replaces threonine 8 with isoleucine.
Molecular consequence: missense variant.
Genome position (GRCh38, 1-based): chr1:11,847,662, G>A on the plus strand (C>T on the coding strand, the complement: NPPA is on the minus strand). VCF-style: chr1-11847662-G-A. GRCh37 (hg19) VCF-style: chr1-11907719-G-A.
Other names: c.23C>T (LRG_751t1); short protein forms T8I.
Identifiers: ClinVar variation 537320 (VCV000537320.10), dbSNP rs142653342, ClinGen allele CA597134.